The following is an entry in ClinVar:

ClinVar aggregate classification (germline): Uncertain significance (1 of 4 stars; one submission).

Conditions:
Inborn genetic diseases. Identifiers: MedGen C0950123, MeSH D030342.

Allele frequency attached by ClinVar (database versions not stated): ExAC 0.00001.

Submission:

Ambry Genetics
Classification: Uncertain significance for Inborn genetic diseases. Last evaluated: 2021-09-15. Review status: criteria provided, single submitter. Criteria: Ambry Variant Classification Scheme 2023. Collection method: clinical testing. Allele origin: germline.
Comment: The p.E563D variant (also known as c.1689A>C), located in coding exon 10 of the PIK3CA gene, results from an A to C substitution at nucleotide position 1689. The glutamic acid at codon 563 is replaced by aspartic acid, an amino acid with highly similar properties. This amino acid position is conserved. In addition, the in silico prediction for this alteration is inconclusive. Since supporting evidence is limited at this time, the clinical significance of this alteration remains unclear.

NM_006218.4(PIK3CA):c.1689A>C (p.Glu563Asp)

Gene: PIK3CA (phosphatidylinositol-4,5-bisphosphate 3-kinase catalytic subunit alpha; plus strand). Cytogenetic location: 3q26.32.
Variant type: single nucleotide variant.
Coding change: c.1689A>C on transcript NM_006218.4 (MANE Select); coding-DNA position 1689, A replaced by C.
Protein change: p.Glu563Asp; replaces glutamic acid 563 with aspartic acid.
Molecular consequence: missense variant.
Genome position (GRCh38, 1-based): chr3:179,219,220, A>C. VCF-style: chr3-179219220-A-C. GRCh37 (hg19) VCF-style: chr3-178937008-A-C.
Other names: short protein forms E563D.
Identifiers: ClinVar variation 1778069 (VCV001778069.2), dbSNP rs758050864, ClinGen allele CA2710782.